The following is an entry in ClinVar:

NM_000587.4(C7):c.1075G>A (p.Ala359Thr)

Gene: C7 (complement C7; plus strand). Cytogenetic location: 5p13.1.
Variant type: single nucleotide variant.
Coding change: c.1075G>A on transcript NM_000587.4 (MANE Select); coding-DNA position 1075, G replaced by A.
Protein change: p.Ala359Thr; replaces alanine 359 with threonine.
Molecular consequence: missense variant.
Genome position (GRCh38, 1-based): chr5:40,949,996, G>A. VCF-style: chr5-40949996-G-A. GRCh37 (hg19) VCF-style: chr5-40950098-G-A.
Other names: c.1075G>A (NM_000587.2); short protein forms A359T.
Identifiers: ClinVar variation 1349190 (VCV001349190.6), dbSNP rs371469026, ClinGen allele CA3249826.
Genomic context (GRCh38, chr5:40,949,996, plus strand): 5'-TCCTCAGGTTGGCATTTTGTCGTTAAATTTTCAAGTCATGGATGCAAGGAACTGGAAAAC[G>A]CTTTAAAAGCTGCTTCAGGTAAATGGAAAAAGAGCAGTTTGCATTGCAAGCTTAACTTCT-3'
Protein context (NP_000578.2, residues 349-369): SSHGCKELEN[Ala359Thr]LKAASGTQNN

ClinVar aggregate classification (germline): Uncertain significance. Review status: criteria provided, multiple submitters, no conflicts (2 of 4 stars). 3 submissions from 3 submitters: Uncertain significance (3). Last evaluated 2026-03-31.

Conditions:
Inborn genetic diseases. Identifiers: MedGen C0950123, MeSH D030342.

Allele frequency attached by ClinVar (database versions not stated): ESP Exome Variant Server 0.00008; ExAC 0.00009; gnomAD 0.00009; gnomAD exomes 0.00005.
gnomAD v4.1: 78 of 1,587,866 alleles (0.0049%); highest among the groups gnomAD compares: African/African-American, 0.02%; no homozygotes.

Submissions (3):

Ambry Genetics
Classification: Uncertain significance for Inborn genetic diseases. Last evaluated: 2026-03-31. Review status: criteria provided, single submitter. Criteria: Ambry Variant Classification Scheme 2023. Collection method: clinical testing. Allele origin: germline.

Labcorp Genetics (formerly Invitae), Labcorp
Classification: Uncertain significance. Last evaluated: 2022-08-05. Review status: criteria provided, single submitter. Criteria: Invitae Variant Classification Sherloc (09022015). Collection method: clinical testing. Allele origin: germline.
Comment: This sequence change replaces alanine, which is neutral and non-polar, with threonine, which is neutral and polar, at codon 359 of the C7 protein (p.Ala359Thr). This variant is present in population databases (rs371469026, gnomAD 0.009%). This variant has not been reported in the literature in individuals affected with C7-related conditions. ClinVar contains an entry for this variant (Variation ID: 1349190). Algorithms developed to predict the effect of missense changes on protein structure and function output the following: SIFT: "Tolerated"; PolyPhen-2: "Benign"; Align-GVGD: "Class C0". The threonine amino acid residue is found in multiple mammalian species, which suggests that this missense change does not adversely affect protein function. In summary, the available evidence is currently insufficient to determine the role of this variant in disease. Therefore, it has been classified as a Variant of Uncertain Significance.

Breakthrough Genomics
Classification: Uncertain significance. Review status: criteria provided, single submitter. Criteria: ACMG Guidelines, 2015. Collection method: not provided. Allele origin: germline. Inheritance: Unknown mechanism. Affected: yes.